The following is an entry in ClinVar:

NM_000414.4(HSD17B4):c.434+1G>C

Gene: HSD17B4 (hydroxysteroid 17-beta dehydrogenase 4; plus strand). Cytogenetic location: 5q23.1.
Variant type: single nucleotide variant.
Coding change: c.434+1G>C on transcript NM_000414.4 (MANE Select); the canonical splice donor site of the intron after coding-DNA position 434, G replaced by C.
Molecular consequence: splice donor variant. On other transcripts: intron variant (2).
Genome position (GRCh38, 1-based): chr5:119,477,502, G>C. VCF-style: chr5-119477502-G-C. GRCh37 (hg19) VCF-style: chr5-118813197-G-C.
Other names: c.23+1G>C (NM_001374503.1, NM_001374502.1, NM_001374501.1); c.509+1G>C (NM_001199291.3); c.107+1G>C (NM_001374499.1); c.-105+1G>C (NM_001374500.1); c.14+10G>C (NM_001292028.2); c.362+1G>C (NM_001292027.2); c.434+1G>C (NM_001374498.1, NM_000414.3); c.425+10G>C (NM_001374497.1); and 1 more.
Identifiers: ClinVar variation 1342774 (VCV001342774.5), dbSNP rs2126696991, ClinGen allele CA360865395.
Genomic context (GRCh38, chr5:119,477,502, plus strand): 5'-GGGTTCATTCCAAGTGACACGGGCAGCATGGGAACACATGAAGAAACAGAAGTATGGAAG[G>C]TAGAGTTGCATGTGGTTGTCAAGGGGGATTTAAGATGTTGTGTCTGGGGGTTCTTGTGTA-3'

ClinVar aggregate classification (germline): Likely pathogenic. Review status: criteria provided, single submitter (1 of 4 stars). 2 submissions from 2 submitters: Likely pathogenic (1). 1 of the submissions does not count toward it. Last evaluated 2023-10-02.

Conditions:
HSD17B4-related disorder. Also called: HSD17B4-related disorders; HSD17B4-related condition.

Allele frequency attached by ClinVar (database versions not stated): gnomAD exomes below 0.00001.
gnomAD v4.1: 1 of 1,607,430 alleles (0.000062%); highest among the groups gnomAD compares: Non-Finnish European, 0.000085%; no homozygotes.

Submissions (2):

GeneDx
Classification: Likely pathogenic. Last evaluated: 2023-10-02. Review status: criteria provided, single submitter. Criteria: GeneDx Variant Classification Process June 2021. Collection method: clinical testing. Allele origin: germline. Affected: yes.
Comment: Canonical splice site variant predicted to result in a null allele in a gene for which loss of function is a known mechanism of disease; Not observed in large population cohorts (gnomAD); Has not been previously published as pathogenic or benign to our knowledge

PreventionGenetics, part of Exact Sciences
Classification: Likely pathogenic for HSD17B4-related condition. Last evaluated: 2023-11-30. Review status: no assertion criteria provided. Collection method: clinical testing. Allele origin: germline. Not counted in ClinVar's aggregate classification.
Comment: The HSD17B4 c.434+1G>C variant is predicted to disrupt the GT donor site and interfere with normal splicing. To our knowledge, this variant has not been reported in the literature or in a large population database, indicating this variant is rare. Variants that disrupt the consensus splice donor site in HSD17B4 are expected to be pathogenic. This variant is interpreted as likely pathogenic.